The following is an entry in ClinVar:

ClinVar aggregate classification (germline): Benign (1 of 4 stars; one submission).

Allele frequency attached by ClinVar (database versions not stated): gnomAD exomes 0.00275; gnomAD 0.01602 and 0.01712; 1000 Genomes Project 30x 0.01790; TOPMed 0.01847; 1000 Genomes Project 0.01828.
gnomAD v4.1: 1,883 of 150,736 alleles (1.2%); highest among the groups gnomAD compares: African/African-American, 5.4%; 25 homozygotes.

Submission:

GeneDx
Classification: Benign. Last evaluated: 2018-06-14. Review status: criteria provided, single submitter. Criteria: GeneDx Variant Classification (06012015). Collection method: clinical testing. Allele origin: germline. Affected: yes.
Comment: This variant is considered likely benign or benign based on one or more of the following criteria: it is a conservative change, it occurs at a poorly conserved position in the protein, it is predicted to be benign by multiple in silico algorithms, and/or has population frequency not consistent with disease.

NM_006359.2(SLC9A6):c.-368G>A

Gene: SLC9A6 (solute carrier family 9 member A6; plus strand). Cytogenetic location: Xq26.3.
Variant type: single nucleotide variant.
Coding change: c.-368G>A on transcript NM_006359.2; 368 bases upstream of the start codon, G replaced by A.
Molecular consequence: intron variant (on NM_001400909.1).
Genome position (GRCh38, 1-based): chrX:135,985,135, G>A. VCF-style: chrX-135985135-G-A. GRCh37 (hg19) VCF-style: chrX-135067294-G-A.
Other names: c.-35-489G>A (NM_001400909.1); c.-56-468G>A (NM_001400910.1, NM_001400911.1).
Identifiers: ClinVar variation 672939 (VCV000672939.3), dbSNP rs145928242, ClinGen allele CA336084016.
Genomic context (GRCh38, chrX:135,985,135, plus strand): 5'-AGGCTCCTCCCAAGGGGACAACTTATCCTGTTAAGAGACACTGGGGGACGATATTGAGAT[G>A]GGTTATGAAAGATCAATTCCTATGAAAGATCAATTCCCCTGAGAGCTCTGAGAATAGGAT-3'